The following is an entry in ClinVar:

ClinVar aggregate classification (germline): Benign/Likely benign. Review status: criteria provided, multiple submitters, no conflicts (2 of 4 stars). 4 submissions from 4 submitters: Benign (3); Likely benign (1). Last evaluated 2026-02-04.

Conditions:
Cernunnos-XLF deficiency (IMD124). Also called: SCID, AUTOSOMAL RECESSIVE, T CELL-NEGATIVE, B CELL-NEGATIVE, NK CELL-POSITIVE, WITH MICROCEPHALY, GROWTH RETARDATION, AND SENSITIVITY TO IONIZING RADIATION; NHEJ1 SYNDROME; Severe combined immunodeficiency with sensitivity to ionizing radiation due to NHEJ1 deficiency; SCID, autosomal recessive, T cell-negative, B cell-negative, NK cell-positive, and sensitivity to ionizing radiation due to NHEJ1 deficiency; IMMUNODEFICIENCY 124, SEVERE COMBINED. Identifiers: Orphanet 169079, MedGen C1969799, MONDO:0012650, OMIM 611291.

Allele frequency attached by ClinVar (database versions not stated): ExAC 0.01288; gnomAD 0.04156 and 0.04477; ESP Exome Variant Server 0.04344; 1000 Genomes Project 0.04413; 1000 Genomes Project 30x 0.04544; TOPMed 0.04616.
gnomAD v4.1: 12,652 of 1,614,152 alleles (0.78%); highest among the groups gnomAD compares: African/African-American, 14%; 827 homozygotes.

Submissions (4):

Labcorp Genetics (formerly Invitae), Labcorp
Classification: Benign for Cernunnos-XLF deficiency. Last evaluated: 2026-02-04. Review status: criteria provided, single submitter. Criteria: Invitae Variant Classification Sherloc (09022015). Collection method: clinical testing. Allele origin: germline.

Women's Health and Genetics/Laboratory Corporation of America, LabCorp
Classification: Likely benign. Last evaluated: 2026-01-21. Review status: criteria provided, single submitter. Criteria: LabCorp Variant Classification Summary - May 2015. Collection method: clinical testing. Allele origin: germline.

GeneDx
Classification: Benign. Last evaluated: 2013-10-17. Review status: criteria provided, single submitter. Criteria: GeneDx Variant Classification (06012015). Collection method: clinical testing. Allele origin: germline. Affected: yes.
Comment: This variant is considered likely benign or benign based on one or more of the following criteria: it is a conservative change, it occurs at a poorly conserved position in the protein, it is predicted to be benign by multiple in silico algorithms, and/or has population frequency not consistent with disease.

Breakthrough Genomics
Classification: Benign. Review status: criteria provided, single submitter. Criteria: ACMG Guidelines, 2015. Collection method: not provided. Allele origin: germline. Inheritance: Unknown mechanism. Affected: yes.

NM_024782.3(NHEJ1):c.40G>A (p.Ala14Thr)

Gene: NHEJ1 (non-homologous end joining factor 1; minus strand). Cytogenetic location: 2q35.
Variant type: single nucleotide variant.
Coding change: c.40G>A on transcript NM_024782.3 (MANE Select); coding-DNA position 40, G replaced by A.
Protein change: p.Ala14Thr; replaces alanine 14 with threonine.
Molecular consequence: missense variant. On other transcripts: non-coding transcript variant (1).
Genome position (GRCh38, 1-based): chr2:219,158,323, C>T on the plus strand (G>A on the coding strand, the complement: NHEJ1 is on the minus strand). VCF-style: chr2-219158323-C-T. GRCh37 (hg19) VCF-style: chr2-220023045-C-T.
Other names: p.A14T:GCG>ACG; c.40G>A, p.Ala14Thr (NM_001377498.1, NM_001377499.1); short protein forms A14T.
Identifiers: ClinVar variation 138520 (VCV000138520.13), dbSNP rs34689457, ClinGen allele CA292538.
Genomic context (GRCh38, chr2:219,158,323, plus strand): 5'-AGCCCTGCTTGGTGATAAAAACCTTGGCCAAGAGGGAGTTCTCTGCAAGCTGTAGCCACG[C>T]CCATGGCTGCATCAACAGGCCTTGCTCCAGTTCTTCCATCTGCAAAAAAGTCCTCATTTA-3'
Protein context (NP_079058.1, residues 4-24): LEQGLLMQPW[Ala14Thr]WLQLAENSLL